The following is an entry in ClinVar:

NM_000264.5(PTCH1):c.3863T>C (p.Leu1288Pro)

Gene: PTCH1 (patched 1; minus strand). Cytogenetic location: 9q22.32.
Variant type: single nucleotide variant.
Coding change: c.3863T>C on transcript NM_000264.5 (MANE Select); coding-DNA position 3863, T replaced by C.
Protein change: p.Leu1288Pro; replaces leucine 1288 with proline.
Molecular consequence: missense variant. On other transcripts: non-coding transcript variant (1).
Genome position (GRCh38, 1-based): chr9:95,447,393, A>G on the plus strand (T>C on the coding strand, the complement: PTCH1 is on the minus strand). VCF-style: chr9-95447393-A-G. GRCh37 (hg19) VCF-style: chr9-98209675-A-G.
Other names: c.3665T>C, p.Leu1222Pro (NM_001083602.3); c.3860T>C, p.Leu1287Pro (NM_001083603.3); c.3410T>C, p.Leu1137Pro (NM_001083604.3, NM_001083605.3, NM_001083606.3 and 1 more transcripts); c.3707T>C, p.Leu1236Pro (NM_001354918.2); short protein forms L1137P, L1222P, L1236P, L1287P, L1288P.
Identifiers: ClinVar variation 4862662 (VCV004862662.1).
Genomic context (GRCh38, chr9:95,447,393, plus strand): 5'-CTGGGGGGGTCCCTGCGGGGCTGCTGGCCTTGCCGTCCGGGAGGCAGGGACCCTGAGTCC[A>G]GGTGGGGCTGCTGTCTCGGGTTCGAGGGTGGGTGATGCCTGGATTCGGGATGGACCACCT-3'
Protein context (NP_000255.2, residues 1278-1298): PPSNPRQQPH[Leu1288Pro]DSGSLPPGRQ

ClinVar aggregate classification (germline): Uncertain significance (1 of 4 stars; one submission).

Conditions:
Hereditary cancer-predisposing syndrome. Also called: Neoplastic Syndromes, Hereditary; Tumor predisposition; Hereditary Cancer Syndrome; Hereditary neoplastic syndrome. Identifiers: Orphanet 140162, MedGen C0027672, MeSH D009386, MONDO:0015356.

Submission:

Ambry Genetics
Classification: Uncertain significance for Hereditary cancer-predisposing syndrome. Last evaluated: 2026-04-10. Review status: criteria provided, single submitter. Criteria: Ambry Variant Classification Scheme 2023. Collection method: clinical testing. Allele origin: germline.
Comment: The p.L1288P variant (also known as c.3863T>C), located in coding exon 23 of the PTCH1 gene, results from a T to C substitution at nucleotide position 3863. The leucine at codon 1288 is replaced by proline, an amino acid with similar properties. This amino acid position is conserved. In addition, this alteration is predicted to be tolerated by in silico analysis. Based on the available evidence, the clinical significance of this variant remains unclear.